The following is an entry in ClinVar:

NM_001040151.2(SCN3B):c.110A>G (p.Gln37Arg)

Gene: SCN3B (sodium voltage-gated channel beta subunit 3; minus strand). Cytogenetic location: 11q24.1.
Variant type: single nucleotide variant.
Coding change: c.110A>G on transcript NM_001040151.2 (MANE Select); coding-DNA position 110, A replaced by G.
Protein change: p.Gln37Arg; replaces glutamine 37 with arginine.
Molecular consequence: missense variant.
Genome position (GRCh38, 1-based): chr11:123,645,696, T>C on the plus strand (A>G on the coding strand, the complement: SCN3B is on the minus strand). VCF-style: chr11-123645696-T-C. GRCh37 (hg19) VCF-style: chr11-123516404-T-C.
Other names: c.110A>G, p.Gln37Arg (NM_018400.4); short protein forms Q37R.
Identifiers: ClinVar variation 3227128 (VCV003227128.1), dbSNP rs1382771948, ClinGen allele CA383073173.
Genomic context (GRCh38, chr11:123,645,696, plus strand): 5'-GTGGCCTCCACCTCCTCTCTCTTCATGCAGGAGATGCAGCGCAGCTTCATGGGGTTGCCC[T>C]GCACGGCCTCCGTCTCCGAGGGCACTTCCACACACACAGGGAAGCAGACACTGACTGCAG-3'
Protein context (NP_001035241.1, residues 27-47): VEVPSETEAV[Gln37Arg]GNPMKLRCIS

ClinVar aggregate classification (germline): Uncertain significance (1 of 4 stars; one submission).

Conditions:
Cardiovascular phenotype. Identifiers: MedGen CN230736.

Allele frequency attached by ClinVar (database versions not stated): TOPMed below 0.00001; gnomAD exomes 0.00001.
gnomAD v4.1: 9 of 1,614,156 alleles (0.00056%); highest among the groups gnomAD compares: Non-Finnish European, 0.00076%; no homozygotes.

Submission:

Ambry Genetics
Classification: Uncertain significance for Cardiovascular phenotype. Last evaluated: 2024-02-06. Review status: criteria provided, single submitter. Criteria: Ambry Variant Classification Scheme 2023. Collection method: clinical testing. Allele origin: germline.
Comment: The p.Q37R variant (also known as c.110A>G), located in coding exon 2 of the SCN3B gene, results from an A to G substitution at nucleotide position 110. The glutamine at codon 37 is replaced by arginine, an amino acid with highly similar properties. This amino acid position is conserved. In addition, this alteration is predicted to be tolerated by in silico analysis. Based on the available evidence, the clinical significance of this alteration remains unclear.